The following is an entry in ClinVar:

NM_025144.4(ALPK1):c.1213T>C (p.Ser405Pro)

Gene: ALPK1 (alpha kinase 1; plus strand). Cytogenetic location: 4q25.
Variant type: single nucleotide variant.
Coding change: c.1213T>C on transcript NM_025144.4 (MANE Select); coding-DNA position 1213, T replaced by C.
Protein change: p.Ser405Pro; replaces serine 405 with proline.
Molecular consequence: missense variant.
Genome position (GRCh38, 1-based): chr4:112,430,760, T>C. VCF-style: chr4-112430760-T-C. GRCh37 (hg19) VCF-style: chr4-113351916-T-C.
Other names: c.1213T>C, p.Ser405Pro (NM_001102406.2); c.979T>C, p.Ser327Pro (NM_001253884.2); short protein forms S405P, S327P.
Identifiers: ClinVar variation 3693673 (VCV003693673.2).

ClinVar aggregate classification (germline): Uncertain significance (1 of 4 stars; one submission).

Submission:

Labcorp Genetics (formerly Invitae), Labcorp
Classification: Uncertain significance. Last evaluated: 2024-05-13. Review status: criteria provided, single submitter. Criteria: Invitae Variant Classification Sherloc (09022015). Collection method: clinical testing. Allele origin: germline.
Comment: This sequence change replaces serine, which is neutral and polar, with proline, which is neutral and non-polar, at codon 405 of the ALPK1 protein (p.Ser405Pro). This variant is not present in population databases (gnomAD no frequency). This variant has not been reported in the literature in individuals affected with ALPK1-related conditions. Advanced modeling of protein sequence and biophysical properties (such as structural, functional, and spatial information, amino acid conservation, physicochemical variation, residue mobility, and thermodynamic stability) performed at Invitae indicates that this missense variant is not expected to disrupt ALPK1 protein function with a negative predictive value of 80%. In summary, the available evidence is currently insufficient to determine the role of this variant in disease. Therefore, it has been classified as a Variant of Uncertain Significance.